The following is an entry in ClinVar:

NM_207361.6(FREM2):c.9282A>C (p.Pro3094=)

Gene: FREM2 (FRAS1 related extracellular matrix 2; plus strand). Cytogenetic location: 13q13.3.
Variant type: single nucleotide variant.
Coding change: c.9282A>C on transcript NM_207361.6 (MANE Select); coding-DNA position 9282, A replaced by C.
Protein change: p.Pro3094=; no amino-acid change (proline 3094 retained).
Molecular consequence: synonymous variant.
Genome position (GRCh38, 1-based): chr13:38,880,559, A>C. VCF-style: chr13-38880559-A-C. GRCh37 (hg19) VCF-style: chr13-39454696-A-C.
Identifiers: ClinVar variation 312039 (VCV000312039.8), dbSNP rs549071375, ClinGen allele CA6956354.

ClinVar aggregate classification (germline): Benign/Likely benign. Review status: criteria provided, multiple submitters, no conflicts (2 of 4 stars). 2 submissions from 2 submitters: Benign (1); Likely benign (1). Last evaluated 2026-01-28.

Conditions:
Fraser syndrome 2 (FRASRS2). Identifiers: MedGen C4540036, MONDO:0054738, OMIM 617666.

Allele frequency attached by ClinVar (database versions not stated): gnomAD 0.00001 and 0.00021; TOPMed 0.00005; gnomAD exomes 0.00043 and 0.00082; ExAC 0.00093; 1000 Genomes Project 30x 0.00234; 1000 Genomes Project 0.00300.

Submissions (2):

Labcorp Genetics (formerly Invitae), Labcorp
Classification: Benign. Last evaluated: 2026-01-28. Review status: criteria provided, single submitter. Criteria: Invitae Variant Classification Sherloc (09022015). Collection method: clinical testing. Allele origin: germline.

Illumina Laboratory Services, Illumina
Classification: Likely benign for Fraser syndrome 2. Last evaluated: 2018-01-13. Review status: criteria provided, single submitter. Criteria: ICSL Variant Classification Criteria 13 December 2019. Collection method: clinical testing. Allele origin: germline.
Comment: This variant was observed in the ICSL laboratory as part of a predisposition screen in an ostensibly healthy population. It had not been previously curated by ICSL or reported in the Human Gene Mutation Database (HGMD: prior to June 1st, 2018), and was therefore a candidate for classification through an automated scoring system. Utilizing variant allele frequency, disease prevalence and penetrance estimates, and inheritance mode, an automated score was calculated to assess if this variant is too frequent to cause the disease. Based on the score and internal cut-off values, a variant classified as likely benign is not then subjected to further curation. The score for this variant resulted in a classification of likely benign for this disease.